The following is an entry in ClinVar:

ClinVar aggregate classification (germline): Pathogenic/Likely pathogenic. Review status: criteria provided, multiple submitters, no conflicts (2 of 4 stars). 5 submissions from 5 submitters: Pathogenic (1); Likely pathogenic (4). Last evaluated 2025-04-03.

Conditions:
HSD3B2-related disorders.
3 beta-Hydroxysteroid dehydrogenase deficiency. Also called: ADRENAL HYPERPLASIA, CONGENITAL, DUE TO 3-BETA-HYDROXYSTEROID DEHYDROGENASE 2 DEFICIENCY; 3b-hydroxysteroid dehydrogenase deficiency; Congenital adrenal hyperplasia due to 3-beta-hydroxysteroid dehydrogenase deficiency; 3-BETA-HSD DEFICIENCY; ADRENAL HYPERPLASIA II. Identifiers: Orphanet 90791, MedGen C0342471, MeSH C538236, MONDO:0008727, OMIM 201810. Disease mechanism: loss of function.
Congenital adrenal hyperplasia. Identifiers: Orphanet 418, MedGen C0001627, MONDO:0018479, HP:0008258.

Allele frequency attached by ClinVar (database versions not stated): ExAC 0.00001; gnomAD exomes 0.00001.

Submissions (5):

Natera, Inc.
Classification: Likely pathogenic for 3 beta hydroxysteroid dehydrogenase deficiency. Last evaluated: 2025-04-03. Review status: criteria provided, single submitter. Criteria: Natera Variant Classification Schema (03/2026). Collection method: clinical testing. Allele origin: germline.
Comment: The c.1064G>A variant in HSD3B2 is a nonsense variant predicted to introduce a stop codon at amino acid 355. This variant may result in a truncated or dysfunctional protein product. This variant is rare in the general population with a frequency below the threshold expected for the associated phenotype(s). This variant has been observed in one or more individuals affected with the associated recessive disease, as either homozygous or compound heterozygous with a second variant (PMID: 18252794). Functional studies show that this variant may disrupt protein function (PMID: 18252794). Given the available evidence, this variant is classified as Likely Pathogenic.

Blueprint Genetics
Classification: Likely pathogenic for HSD3B2-related disorders. Last evaluated: 2024-08-02. Review status: criteria provided, single submitter. Criteria: ACMG Guidelines, 2015. Collection method: clinical testing. Allele origin: germline. Affected: yes. Observed: 3 variant alleles.

Fulgent Genetics
Classification: Likely pathogenic for 3 beta-Hydroxysteroid dehydrogenase deficiency. Last evaluated: 2024-05-31. Review status: criteria provided, single submitter. Criteria: ACMG Guidelines, 2015. Collection method: clinical testing. Allele origin: germline.

Women's Health and Genetics/Laboratory Corporation of America, LabCorp
Classification: Pathogenic for Congenital adrenal hyperplasia. Last evaluated: 2022-09-26. Review status: criteria provided, single submitter. Criteria: LabCorp Variant Classification Summary - May 2015. Collection method: clinical testing. Allele origin: germline.
Comment: Variant summary: HSD3B2 c.1064G>A (p.Trp355X) results in a premature termination codon, predicted to cause a truncation of the encoded protein or absence of the protein due to nonsense mediated decay, which are commonly known mechanisms for disease. Truncations downstream of this position have been in association with Adrenal hyperplasia and 3 beta-hydroxysteroid dehydrogenase deficiency in HGMD. The variant allele was found at a frequency of 8e-06 in 250916 control chromosomes. c.1064G>A has been reported in the literature in an individual affected with Congenital Adrenal Hyperplasia (Welzel_2008). These data indicate that the variant is likely to be associated with disease. One publication reports experimental evidence evaluating an impact on protein expression and enzymatic activity, resulting in <10% of normal activity and no or very little protein expression in the absence of a proteasome inhibitor (Welzel_2008). One clinical diagnostic laboratory has submitted clinical-significance assessments for this variant to ClinVar after 2014 without evidence for independent evaluation, classifying the variant as likely pathogenic. Based on the evidence outlined above, the variant was classified as pathogenic.

Laboratory for Molecular Medicine, Mass General Brigham Personalized Medicine
Classification: Likely pathogenic for 3 beta-Hydroxysteroid dehydrogenase deficiency. Last evaluated: 2016-12-19. Review status: criteria provided, single submitter. Criteria: LMM Criteria. Collection method: clinical testing. Allele origin: germline. Inheritance: Autosomal recessive inheritance. Observed: 1 variant allele.
Comment: The p.Trp355X variant in HSD3B2 has been reported in a homozygous individual wit h clinical features of 3-beta (?)-hydroxysteroid dehydrogenase (HSD) deficiency (Welzel 2008). The p.Trp355X variant has been identified in 1/6498 of South Asia n chromosomes by the Exome Aggregation Consortium (ExAC; dbSNP rs767128094). This nonsense variant leads to a premature terminat ion codon at position 355, which is predicted to lead to a truncated or absent p rotein. Biallelic loss of function of the HSD3B2 gene has been associated with H SD deficiency. In vitro studies provide evidence that this variant leads to a tr uncated protein which impacts protein function (Welzel 2008). However, these typ es of assays may not accurately represent biological function. In summary, alth ough additional studies are required to fully establish a null effect on the pro tein, the p.Trp355X variant in HSD3B2 is likely pathogenic for 3-beta (?)-hydrox ysteroid dehydrogenase (HSD) deficiency in an autosomal recessive manner based u pon its predicted impact on protein function.

Literature cited by the submitters: PubMed 18252794 (cited by 3 submitters).

NM_000198.4(HSD3B2):c.1064G>A (p.Trp355Ter)

Gene: HSD3B2 (hydroxy-delta-5-steroid dehydrogenase, 3 beta- and steroid delta-isomerase 2; plus strand). Cytogenetic location: 1p12.
Variant type: single nucleotide variant.
Coding change: c.1064G>A on transcript NM_000198.4 (MANE Select); coding-DNA position 1064, G replaced by A.
Protein change: p.Trp355Ter; replaces tryptophan 355 with a stop codon.
Molecular consequence: nonsense.
Genome position (GRCh38, 1-based): chr1:119,422,565, G>A. VCF-style: chr1-119422565-G-A. GRCh37 (hg19) VCF-style: chr1-119965188-G-A.
Other names: c.1064G>A, p.Trp355Ter (NM_001166120.2); short protein forms W355*.
Identifiers: ClinVar variation 517183 (VCV000517183.9), dbSNP rs767128094, ClinGen allele CA1036097.